The following is an entry in ClinVar:

NM_021020.5(LZTS1):c.1147G>C (p.Glu383Gln)

Gene: LZTS1 (leucine zipper tumor suppressor 1; minus strand). Cytogenetic location: 8p21.3.
Variant type: single nucleotide variant.
Coding change: c.1147G>C on transcript NM_021020.5 (MANE Select); coding-DNA position 1147, G replaced by C.
Protein change: p.Glu383Gln; replaces glutamic acid 383 with glutamine.
Molecular consequence: missense variant.
Genome position (GRCh38, 1-based): chr8:20,252,784, C>G on the plus strand (G>C on the coding strand, the complement: LZTS1 is on the minus strand). VCF-style: chr8-20252784-C-G. GRCh37 (hg19) VCF-style: chr8-20110295-C-G.
Other names: c.1147G>C, p.Glu383Gln (NM_001362884.2); short protein forms E383Q.
Identifiers: ClinVar variation 1908093 (VCV001908093.5), dbSNP rs1799964085, ClinGen allele CA370476765.

ClinVar aggregate classification (germline): Uncertain significance (1 of 4 stars; one submission).

Submission:

Labcorp Genetics (formerly Invitae), Labcorp
Classification: Uncertain significance. Last evaluated: 2022-03-04. Review status: criteria provided, single submitter. Criteria: Invitae Variant Classification Sherloc (09022015). Collection method: clinical testing. Allele origin: germline.
Comment: In summary, the available evidence is currently insufficient to determine the role of this variant in disease. Therefore, it has been classified as a Variant of Uncertain Significance. Algorithms developed to predict the effect of missense changes on protein structure and function are either unavailable or do not agree on the potential impact of this missense change (SIFT: "Tolerated"; PolyPhen-2: "Possibly Damaging"; Align-GVGD: "Class C0"). This variant has not been reported in the literature in individuals affected with LZTS1-related conditions. This variant is not present in population databases (gnomAD no frequency). This sequence change replaces glutamic acid, which is acidic and polar, with glutamine, which is neutral and polar, at codon 383 of the LZTS1 protein (p.Glu383Gln).